The following is an entry in ClinVar:

ClinVar aggregate classification (germline): Conflicting classifications of pathogenicity. Review status: criteria provided, conflicting classifications (1 of 4 stars). 3 submissions from 3 submitters: Uncertain significance (1); Likely benign (2). Last evaluated 2024-10-16.

Conditions:
Inborn genetic diseases. Identifiers: MedGen C0950123, MeSH D030342.
Kleefstra syndrome 1 (KLEFS1). Identifiers: Orphanet 261494, MedGen C0795833, MONDO:0027407, OMIM 610253.

Allele frequency attached by ClinVar (database versions not stated): gnomAD 0.00001; 1000 Genomes Project 30x 0.00016; TOPMed below 0.00001; ExAC 0.00001; gnomAD exomes below 0.00001; 1000 Genomes Project 0.00020.
gnomAD v4.1: 7 of 1,614,132 alleles (0.00043%); highest among the groups gnomAD compares: East Asian, 0.0067%; no homozygotes.

Submissions (3):

Labcorp Genetics (formerly Invitae), Labcorp
Classification: Likely benign for Kleefstra syndrome 1. Last evaluated: 2024-10-16. Review status: criteria provided, single submitter. Criteria: Invitae Variant Classification Sherloc (09022015). Collection method: clinical testing. Allele origin: germline.

Ambry Genetics
Classification: Likely benign for Inborn genetic diseases. Last evaluated: 2024-04-09. Review status: criteria provided, single submitter. Criteria: Ambry Variant Classification Scheme 2023. Collection method: clinical testing. Allele origin: germline.

GeneDx
Classification: Uncertain significance. Last evaluated: 2023-05-10. Review status: criteria provided, single submitter. Criteria: GeneDx Variant Classification Process June 2021. Collection method: clinical testing. Allele origin: germline. Affected: yes.
Comment: In silico analysis supports that this missense variant does not alter protein structure/function; Has not been previously published as pathogenic or benign to our knowledge

NM_024757.5(EHMT1):c.1486T>C (p.Ser496Pro)

Gene: EHMT1 (euchromatic histone lysine methyltransferase 1; plus strand). Cytogenetic location: 9q34.3.
Variant type: single nucleotide variant.
Coding change: c.1486T>C on transcript NM_024757.5 (MANE Select); coding-DNA position 1486, T replaced by C.
Protein change: p.Ser496Pro; replaces serine 496 with proline.
Molecular consequence: missense variant.
Genome position (GRCh38, 1-based): chr9:137,757,996, T>C. VCF-style: chr9-137757996-T-C. GRCh37 (hg19) VCF-style: chr9-140652448-T-C.
Other names: c.1486T>C, p.Ser496Pro (NM_001145527.2, NM_001354611.2); c.1393T>C, p.Ser465Pro (NM_001354259.2, NM_001354612.2); c.1465T>C, p.Ser489Pro (NM_001354263.2); short protein forms S465P, S489P, S496P.
Identifiers: ClinVar variation 2663205 (VCV002663205.5), dbSNP rs542021366, ClinGen allele CA5374631.